The following is an entry in ClinVar:

ClinVar aggregate classification (germline): Likely pathogenic. Review status: criteria provided, single submitter (1 of 4 stars). 2 submissions from 2 submitters: Likely pathogenic (1). 1 of the submissions does not count toward it. Last evaluated 2025-11-24.

Conditions:
Methylmalonic aciduria due to methylmalonyl-CoA mutase deficiency (MAMM). Also called: Methylmalonic aciduria, mut type. Identifiers: Orphanet 27, MedGen C1855114, MONDO:0009612, OMIM 251000.
Methylmalonic aciduria due to complete methylmalonyl-CoA mutase deficiency.

Submissions (2):

Natera, Inc.
Classification: Likely pathogenic for Methylmalonic aciduria due to complete methylmalonyl-CoA mutase deficiency. Last evaluated: 2025-11-24. Review status: criteria provided, single submitter. Criteria: Natera Variant Classification Schema (03/2026). Collection method: clinical testing. Allele origin: germline.
Comment: The c.260G>A variant in MMUT is a missense variant predicted to cause substitution of glycine to glutamic acid at amino acid 87. This variant is rare in the general population with a frequency below the threshold expected for the associated phenotype(s). This variant has been observed in one or more individuals affected with the associated recessive disease, as either homozygous or compound heterozygous with a second variant (PMID: 16281286, 34668645). Computational prediction algorithms indicate this variant is likely to affect gene or protein function. Given the available evidence, this variant is classified as Likely Pathogenic.

Counsyl
Classification: Uncertain significance for Methylmalonic aciduria due to methylmalonyl-CoA mutase deficiency. Last evaluated: 2018-05-15. Review status: no assertion criteria provided. Collection method: clinical testing. Allele origin: unknown. Not counted in ClinVar's aggregate classification.

Literature cited by the submitters: PubMed 16281286 (cited by Natera, Inc. and Counsyl); PubMed 34668645 (cited by Natera, Inc.).

NM_000255.4(MMUT):c.260G>A (p.Gly87Glu)

Gene: MMUT (methylmalonyl-CoA mutase; minus strand). Cytogenetic location: 6p12.3.
Variant type: single nucleotide variant.
Coding change: c.260G>A on transcript NM_000255.4 (MANE Select); coding-DNA position 260, G replaced by A.
Protein change: p.Gly87Glu; replaces glycine 87 with glutamic acid.
Molecular consequence: missense variant.
Genome position (GRCh38, 1-based): chr6:49,459,207, C>T on the plus strand (G>A on the coding strand, the complement: MMUT is on the minus strand). VCF-style: chr6-49459207-C-T. GRCh37 (hg19) VCF-style: chr6-49426920-C-T.
Other names: short protein forms G87E.
Identifiers: ClinVar variation 558311 (VCV000558311.3), dbSNP rs1554160986, ClinGen allele CA364405151.